The following is an entry in ClinVar:

NM_016507.4(CDK12):c.2984A>G (p.Asp995Gly)

Gene: CDK12 (cyclin dependent kinase 12; plus strand). Cytogenetic location: 17q12.
Variant type: single nucleotide variant.
Coding change: c.2984A>G on transcript NM_016507.4 (MANE Select); coding-DNA position 2984, A replaced by G.
Protein change: p.Asp995Gly; replaces aspartic acid 995 with glycine.
Molecular consequence: missense variant.
Genome position (GRCh38, 1-based): chr17:39,519,976, A>G. VCF-style: chr17-39519976-A-G. GRCh37 (hg19) VCF-style: chr17-37676229-A-G.
Other names: c.2984A>G, p.Asp995Gly (NM_015083.4); short protein forms D995G.
Identifiers: ClinVar variation 4651323 (VCV004651323.1).
Genomic context (GRCh38, chr17:39,519,976, plus strand): 5'-GGTCATTGTGAACTTGTCCTTTCTGTGTTCTTTTCCATAGCATTCCTTCTGCAGCACTTG[A>G]TTTATTGGACCACATGCTGACACTAGATCCTAGTAAGCGGTGCACAGCTGAACAGACCCT-3'
Protein context (NP_057591.2, residues 985-1005): EFSFIPSAAL[Asp995Gly]LLDHMLTLDP

ClinVar aggregate classification (germline): Uncertain significance (1 of 4 stars; one submission).

Submission:

Ambry Genetics
Classification: Uncertain significance. Last evaluated: 2025-09-21. Review status: criteria provided, single submitter. Criteria: Ambry Variant Classification Scheme 2023. Collection method: clinical testing. Allele origin: germline.
Comment: The p.D995G variant (also known as c.2984A>G), located in coding exon 11 of the CDK12 gene, results from an A to G substitution at nucleotide position 2984. The aspartic acid at codon 995 is replaced by glycine, an amino acid with similar properties. This amino acid position is conserved. In addition, this alteration is predicted to be deleterious by in silico analysis. Based on the available evidence, the clinical significance of this variant remains unclear.